The following is an entry in ClinVar:

NM_004817.4(TJP2):c.2324G>A (p.Arg775Gln)

Gene: TJP2 (tight junction protein 2; plus strand). Cytogenetic location: 9q21.11.
Variant type: single nucleotide variant.
Coding change: c.2324G>A on transcript NM_004817.4 (MANE Select); coding-DNA position 2324, G replaced by A.
Protein change: p.Arg775Gln; replaces arginine 775 with glutamine.
Molecular consequence: missense variant.
Genome position (GRCh38, 1-based): chr9:69,238,758, G>A. VCF-style: chr9-69238758-G-A. GRCh37 (hg19) VCF-style: chr9-71853674-G-A.
Other names: c.2255G>A, p.Arg752Gln (NM_001170414.2, NM_001369871.1); c.2336G>A, p.Arg779Gln (NM_001170415.1, NM_001369874.1, NM_001369875.1); c.2417G>A, p.Arg806Gln (NM_001170416.2); c.2249G>A, p.Arg750Gln (NM_001369870.1); c.2324G>A, p.Arg775Gln (NM_001369872.1, NM_001369873.1, NM_201629.3); short protein forms R750Q, R752Q, R775Q, R779Q, R806Q.
Identifiers: ClinVar variation 3371553 (VCV003371553.1).

ClinVar aggregate classification (germline): Uncertain significance (1 of 4 stars; one submission).

gnomAD v4.1: 2 of 1,613,912 alleles (0.00012%); highest among the groups gnomAD compares: African/African-American, 0.0013%; no homozygotes.

Submission:

GeneDx
Classification: Uncertain significance. Last evaluated: 2024-04-03. Review status: criteria provided, single submitter. Criteria: GeneDx Variant Classification Process June 2021. Collection method: clinical testing. Allele origin: germline. Affected: yes.
Comment: Not observed at significant frequency in large population cohorts (gnomAD); In silico analysis supports that this missense variant has a deleterious effect on protein structure/function; Has not been previously published as pathogenic or benign to our knowledge